The following is an entry in ClinVar:

ClinVar aggregate classification (germline): Uncertain significance. Review status: criteria provided, multiple submitters, no conflicts (2 of 4 stars). 3 submissions from 3 submitters: Uncertain significance (3). Last evaluated 2026-07-09.

Conditions:
Hereditary breast ovarian cancer syndrome. Also called: Hereditary breast and ovarian cancer syndrome (HBOC); Hereditary breast and ovarian cancer syndrome; Breast and ovarian cancer; BRCA1- and BRCA2-Associated Hereditary Breast and Ovarian Cancer; Hereditary breast and ovarian cancer; Hereditary breast and/or ovarian cancer syndrome. Identifiers: Orphanet 145, MedGen C0677776, MeSH D061325, MONDO:0003582. Disease mechanism: loss of function.
Hereditary cancer-predisposing syndrome. Also called: Neoplastic Syndromes, Hereditary; Hereditary Cancer Syndrome; Tumor predisposition; Hereditary neoplastic syndrome. Identifiers: Orphanet 140162, MedGen C0027672, MeSH D009386, MONDO:0015356.

Submissions (3):

Ambry Genetics
Classification: Uncertain significance for Hereditary cancer-predisposing syndrome. Last evaluated: 2026-07-09. Review status: criteria provided, single submitter. Criteria: Ambry Variant Classification Scheme 2023. Collection method: clinical testing. Allele origin: germline.
Comment: The p.Q3350H variant (also known as c.10050A>C), located in coding exon 26 of the BRCA2 gene, results from an A to C substitution at nucleotide position 10050. The glutamine at codon 3350 is replaced by histidine, an amino acid with highly similar properties. This amino acid position is conserved. In addition, this alteration is predicted to be tolerated by in silico analysis. Based on the available evidence, the clinical significance of this variant remains unclear.

Color Diagnostics, LLC DBA Color Health
Classification: Uncertain significance for Hereditary cancer-predisposing syndrome. Last evaluated: 2019-03-18. Review status: criteria provided, single submitter. Criteria: ACMG Guidelines, 2015. Collection method: clinical testing. Allele origin: germline.

Labcorp Genetics (formerly Invitae), Labcorp
Classification: Uncertain significance for Hereditary breast ovarian cancer syndrome. Last evaluated: 2016-04-18. Review status: criteria provided, single submitter. Criteria: Invitae Variant Classification Sherloc (09022015). Collection method: clinical testing. Allele origin: germline.
Comment: This variant is not present in population databases (ExAC no frequency) and has not been reported in the literature in individuals with a BRCA2-related disease. Algorithms developed to predict the effect of missense changes on protein structure and function do not agree on the potential impact of this missense change (SIFT: "Deleterious"; PolyPhen-2: "Probably Damaging"; Align-GVGD: "Class C0"). In summary, this variant is a novel missense change with uncertain impact on protein function. It has been classified as a Variant of Uncertain Significance. This sequence change replaces glutamine with histidine at codon 3350 of the BRCA2 protein (p.Gln3350His). The glutamine residue is highly conserved and there is a small physicochemical difference between glutamine and histidine.

NM_000059.4(BRCA2):c.10050A>C (p.Gln3350His)

Gene: BRCA2 (BRCA2 DNA repair associated; plus strand). Cytogenetic location: 13q13.1.
Variant type: single nucleotide variant.
Coding change: c.10050A>C on transcript NM_000059.4 (MANE Select); coding-DNA position 10050, A replaced by C.
Protein change: p.Gln3350His; replaces glutamine 3350 with histidine.
Molecular consequence: missense variant.
Genome position (GRCh38, 1-based): chr13:32,398,563, A>C. VCF-style: chr13-32398563-A-C. GRCh37 (hg19) VCF-style: chr13-32972700-A-C.
Other names: short protein forms Q3350H.
Identifiers: ClinVar variation 409563 (VCV000409563.12), dbSNP rs1060502468, ClinGen allele CA16614030.